The following is an entry in ClinVar:

NM_013275.6(ANKRD11):c.3907del (p.Val1303fs)

Gene: ANKRD11 (ankyrin repeat domain 11; minus strand). Cytogenetic location: 16q24.3.
Variant type: Deletion.
Coding change: c.3907del on transcript NM_013275.6 (MANE Select); coding-DNA position 3907, one base deleted (G; older notation c.3907delG).
Protein change: p.Val1303fs; shifts the reading frame from valine 1303.
Molecular consequence: frameshift variant.
Genome position (GRCh38, 1-based): chr16:89,282,635, C deleted on the plus strand (G on the coding strand, the reverse complement: ANKRD11 is on the minus strand); the first of 2 consecutive C bases (chr16:89,282,635-89,282,636); deleting either gives the same sequence. VCF-style (leftmost placement, unchanged base first): chr16-89282634-AC-A. GRCh37 (hg19) VCF-style: chr16-89349042-AC-A.
Other names: c.3907del, p.Val1303fs (NM_001256182.2, NM_001256183.2); short protein forms V1303fs.
Identifiers: ClinVar variation 1700572 (VCV001700572.5), dbSNP rs2544235090, ClinGen allele CA2580092275.

ClinVar aggregate classification (germline): Pathogenic (0 of 4 stars; one submission).

Conditions:
KBG syndrome (KBGS). Also called: ANKRD11-Related KBG Syndrome. Identifiers: Orphanet 2332, MedGen C0220687, MONDO:0007846, OMIM 148050.

Submission:

Department of Medical Genetics, National Institute of Health
Classification: Pathogenic for KBG syndrome. Last evaluated: 2022-08-02. Review status: no assertion criteria provided. Collection method: clinical testing. Allele origin: unknown. Inheritance: Autosomal dominant inheritance. Affected: yes. Observed: 1 heterozygote.
Comment: This variant has not been previously reported and was not found in 138 Moroccan Clinical Exomes on our house database. It is classified as Likely pathogenic according to ACMG classification (American Journal of Genetics) answering the PVS1 and PM2 criteria.